The following is an entry in ClinVar:

NM_001927.4(DES):c.767A>G (p.Glu256Gly)

Gene: DES (desmin; plus strand). Cytogenetic location: 2q35.
Variant type: single nucleotide variant.
Coding change: c.767A>G on transcript NM_001927.4 (MANE Select); coding-DNA position 767, A replaced by G.
Protein change: p.Glu256Gly; replaces glutamic acid 256 with glycine.
Molecular consequence: missense variant.
Genome position (GRCh38, 1-based): chr2:219,420,526, A>G. VCF-style: chr2-219420526-A-G. GRCh37 (hg19) VCF-style: chr2-220285248-A-G.
Other names: c.767A>G (LRG_380t1); short protein forms E256G.
Identifiers: ClinVar variation 474292 (VCV000474292.14), dbSNP rs1553603440, ClinGen allele CA350690914.
Genomic context (GRCh38, chr2:219,420,526, plus strand): 5'-GGGGACTGAAGCCCAGTCATGCCCTACAGGAGATCCGTGAGTTGCAGGCTCAGCTTCAGG[A>G]ACAGCAGGTCCAGGTGGAGATGGACATGTCTAAGCCAGACCTCACTGCCGCCCTCAGGGA-3'
Protein context (NP_001918.3, residues 246-266): EIRELQAQLQ[Glu256Gly]QQVQVEMDMS

ClinVar aggregate classification (germline): Uncertain significance. Review status: criteria provided, multiple submitters, no conflicts (2 of 4 stars). 2 submissions from 2 submitters: Uncertain significance (2). Last evaluated 2026-08-18.

Conditions:
Cardiovascular phenotype. Identifiers: MedGen CN230736.
Desmin-related myofibrillar myopathy (MFM1). Also called: Desminopathy; MYOFIBRILLAR MYOPATHY WITH ARRHYTHMOGENIC RIGHT VENTRICULAR CARDIOMYOPATHY; DESMIN-RELATED MYOPATHY WITH ARRHYTHMOGENIC RIGHT VENTRICULAR CARDIOMYOPATHY; Myofibrillar myopathy 1; Desmin related myopathy (former name); Desmin storage myopathy (former name). Identifiers: Orphanet 363543, Orphanet 98909, MedGen C1832370, MONDO:0011076, OMIM 601419.

Allele frequency attached by ClinVar (database versions not stated): TOPMed below 0.00001; gnomAD exomes 0.00004.

Submissions (2):

Ambry Genetics
Classification: Uncertain significance for Cardiovascular phenotype. Last evaluated: 2026-08-18. Review status: criteria provided, single submitter. Criteria: Ambry Variant Classification Scheme 2023. Collection method: clinical testing. Allele origin: germline.

Labcorp Genetics (formerly Invitae), Labcorp
Classification: Uncertain significance for Desmin-related myofibrillar myopathy. Last evaluated: 2019-04-11. Review status: criteria provided, single submitter. Criteria: Invitae Variant Classification Sherloc (09022015). Collection method: clinical testing. Allele origin: germline.
Comment: This sequence change replaces glutamic acid with glycine at codon 256 of the DES protein (p.Glu256Gly). The glutamic acid residue is highly conserved and there is a moderate physicochemical difference between glutamic acid and glycine. This variant is not present in population databases (ExAC no frequency) and has not been reported in the literature in individuals with a DES-related disease. Algorithms developed to predict the effect of missense changes on protein structure and function do not agree on the potential impact of this missense change (SIFT: "Deleterious"; PolyPhen-2: "Benign"; Align-GVGD: "Class C65"). In summary, this variant is a novel missense change with uncertain impact on protein function. It has been classified as a Variant of Uncertain Significance.